The following is an entry in ClinVar:

NM_001903.5(CTNNA1):c.2702A>G (p.Lys901Arg)

Gene: CTNNA1 (catenin alpha 1; plus strand). Cytogenetic location: 5q31.2.
Variant type: single nucleotide variant.
Coding change: c.2702A>G on transcript NM_001903.5 (MANE Select); coding-DNA position 2702, A replaced by G.
Protein change: p.Lys901Arg; replaces lysine 901 with arginine.
Molecular consequence: missense variant. On other transcripts: 3 prime UTR variant (5).
Genome position (GRCh38, 1-based): chr5:138,934,070, A>G. VCF-style: chr5-138934070-A-G. GRCh37 (hg19) VCF-style: chr5-138269759-A-G.
Other names: c.*247A>G (NM_001290307.3, NM_001324002.1, NM_001324003.1 and 2 more transcripts); c.2393A>G, p.Lys798Arg (NM_001290309.3); c.2333A>G, p.Lys778Arg (NM_001290310.3); c.1592A>G, p.Lys531Arg (NM_001290312.1, NM_001323987.1, NM_001323988.1 and 12 more transcripts); c.2702A>G, p.Lys901Arg (NM_001323982.2, NM_001323983.1, NM_001323984.2); c.2675A>G, p.Lys892Arg (NM_001323985.2); c.2609A>G, p.Lys870Arg (NM_001323986.2); c.1457A>G, p.Lys486Arg (NM_001324001.1); and 4 more; short protein forms K418R, K450R, K870R, K486R, K500R, K798R, K892R, K531R.
Identifiers: ClinVar variation 950319 (VCV000950319.8), dbSNP rs1766025064, ClinGen allele CA361135807.

ClinVar aggregate classification (germline): Conflicting classifications of pathogenicity. Review status: criteria provided, conflicting classifications (1 of 4 stars). 2 submissions from 2 submitters: Uncertain significance (1); Likely benign (1). Last evaluated 2025-05-18.

Conditions:
Hereditary cancer-predisposing syndrome. Also called: Tumor predisposition; Hereditary neoplastic syndrome; Neoplastic Syndromes, Hereditary; Hereditary Cancer Syndrome. Identifiers: Orphanet 140162, MedGen C0027672, MeSH D009386, MONDO:0015356.

Allele frequency attached by ClinVar (database versions not stated): gnomAD exomes below 0.00001; TOPMed 0.00001.
gnomAD v4.1: 1 of 1,612,728 alleles (0.000062%); highest among the groups gnomAD compares: Non-Finnish European, 0.000085%; no homozygotes.

Submissions (2):

Labcorp Genetics (formerly Invitae), Labcorp
Classification: Uncertain significance. Last evaluated: 2025-05-18. Review status: criteria provided, single submitter. Criteria: Invitae Variant Classification Sherloc (09022015). Collection method: clinical testing. Allele origin: germline.
Comment: This sequence change replaces lysine, which is basic and polar, with arginine, which is basic and polar, at codon 901 of the CTNNA1 protein (p.Lys901Arg). This variant is not present in population databases (gnomAD no frequency). This variant has not been reported in the literature in individuals affected with CTNNA1-related conditions. ClinVar contains an entry for this variant (Variation ID: 950319). Invitae Evidence Modeling of protein sequence and biophysical properties (such as structural, functional, and spatial information, amino acid conservation, physicochemical variation, residue mobility, and thermodynamic stability) indicates that this missense variant is not expected to disrupt CTNNA1 protein function with a negative predictive value of 80%. In summary, the available evidence is currently insufficient to determine the role of this variant in disease. Therefore, it has been classified as a Variant of Uncertain Significance.

Ambry Genetics
Classification: Likely benign for Hereditary cancer-predisposing syndrome. Last evaluated: 2023-12-21. Review status: criteria provided, single submitter. Criteria: Ambry Variant Classification Scheme 2023. Collection method: clinical testing. Allele origin: germline.